The following is an entry in ClinVar:

ClinVar aggregate classification (germline): Pathogenic. Review status: criteria provided, single submitter (1 of 4 stars). 2 submissions from 2 submitters: Pathogenic (1). 1 of the submissions does not count toward it. Last evaluated 2025-09-24.

Conditions:
Bethlem myopathy 1A. Also called: MYOPATHY, BENIGN CONGENITAL, WITH CONTRACTURES; Bethlem myopathy 1; Bethlem Muscular Dystrophy. Identifiers: Orphanet 610, MedGen CN029274, MONDO:0024530, OMIM 158810.
Proximal muscle weakness. Identifiers: MedGen C0221629, HP:0003701.

Allele frequency attached by ClinVar (database versions not stated): TOPMed below 0.00001.

Submissions (2):

Labcorp Genetics (formerly Invitae), Labcorp
Classification: Pathogenic for Bethlem myopathy 1A. Last evaluated: 2025-09-24. Review status: criteria provided, single submitter. Criteria: Invitae Variant Classification Sherloc (09022015). Collection method: clinical testing. Allele origin: germline.
Comment: This sequence change creates a premature translational stop signal (p.Gly322Alafs*86) in the COL6A2 gene. It is expected to result in an absent or disrupted protein product. Loss-of-function variants in COL6A2 are known to be pathogenic (PMID: 19884007, 20976770). This variant is not present in population databases (gnomAD no frequency). This variant has not been reported in the literature in individuals affected with COL6A2-related conditions. ClinVar contains an entry for this variant (Variation ID: 2443006). For these reasons, this variant has been classified as Pathogenic.

Institute of Human Genetics, University of Wuerzburg
Classification: Likely pathogenic for Proximal muscle weakness. Review status: no assertion criteria provided. Collection method: clinical testing. Allele origin: unknown. Affected: yes. Observed: 1 variant allele. Not counted in ClinVar's aggregate classification.

Literature cited by the submitters: PubMed 19884007 (cited by Labcorp Genetics (formerly Invitae), Labcorp); PubMed 20976770 (cited by Labcorp Genetics (formerly Invitae), Labcorp).

NM_001849.4(COL6A2):c.963del (p.Gly322fs)

Gene: COL6A2 (collagen type VI alpha 2 chain; plus strand). Cytogenetic location: 21q22.3.
Variant type: Deletion.
Coding change: c.963del on transcript NM_001849.4 (MANE Select); coding-DNA position 963, one base deleted (T; older notation c.963delT).
Protein change: p.Gly322fs; shifts the reading frame from glycine 322.
Molecular consequence: frameshift variant.
Genome position (GRCh38, 1-based): chr21:46,116,778, T deleted. VCF-style (leftmost placement, unchanged base first): chr21-46116777-CT-C. GRCh37 (hg19) VCF-style: chr21-47536691-CT-C.
Other names: c.963del, p.Gly322fs (NM_058174.3, NM_058175.3); short protein forms G322fs.
Identifiers: ClinVar variation 2443006 (VCV002443006.2), dbSNP rs2078477786, ClinGen allele CA2392500991.